The following is an entry in ClinVar:

NM_194248.3(OTOF):c.3017C>G (p.Thr1006Ser)

Gene: OTOF (otoferlin; minus strand). Cytogenetic location: 2p23.3.
Variant type: single nucleotide variant.
Coding change: c.3017C>G on transcript NM_194248.3 (MANE Select); coding-DNA position 3017, C replaced by G.
Protein change: p.Thr1006Ser; replaces threonine 1006 with serine.
Molecular consequence: missense variant.
Genome position (GRCh38, 1-based): chr2:26,475,468, G>C on the plus strand (C>G on the coding strand, the complement: OTOF is on the minus strand). VCF-style: chr2-26475468-G-C. GRCh37 (hg19) VCF-style: chr2-26698336-G-C.
Other names: c.3017C>G, p.Thr1006Ser (NM_001287489.2); c.776C>G, p.Thr259Ser (NM_004802.4, NM_194323.3); c.947C>G, p.Thr316Ser (NM_194322.3); short protein forms T1006S, T259S, T316S.
Identifiers: ClinVar variation 1806146 (VCV001806146.2), dbSNP rs764594629, ClinGen allele CA1563674.

ClinVar aggregate classification (germline): Uncertain significance. Review status: criteria provided, multiple submitters, no conflicts (2 of 4 stars). 2 submissions from 2 submitters: Uncertain significance (2). Last evaluated 2024-01-25.

Conditions:
Autosomal recessive nonsyndromic hearing loss 9. Also called: Deafness, autosomal recessive 9; OTOF-Related Hearing Loss; NEUROSENSORY NONSYNDROMIC RECESSIVE DEAFNESS 9; AUDITORY NEUROPATHY, AUTOSOMAL RECESSIVE, 1, TEMPERATURE-SENSITIVE. Identifiers: Orphanet 90636, MedGen C1832828, MONDO:0010986, OMIM 601071.

Allele frequency attached by ClinVar (database versions not stated): gnomAD 0.00001; gnomAD exomes 0.00001; ExAC 0.00005.
gnomAD v4.1: 18 of 1,612,860 alleles (0.0011%); highest among the groups gnomAD compares: South Asian, 0.018%; no homozygotes.

Submissions (2):

GeneDx
Classification: Uncertain significance. Last evaluated: 2024-01-25. Review status: criteria provided, single submitter. Criteria: GeneDx Variant Classification Process June 2021. Collection method: clinical testing. Allele origin: germline. Affected: yes.
Comment: In silico analysis supports that this missense variant has a deleterious effect on protein structure/function; Has not been previously published as pathogenic or benign to our knowledge

Victorian Clinical Genetics Services, Murdoch Childrens Research Institute
Classification: Uncertain significance for Autosomal recessive nonsyndromic hearing loss 9. Last evaluated: 2019-08-28. Review status: criteria provided, single submitter. Criteria: ACMG Guidelines, 2015. Collection method: clinical testing. Allele origin: germline. Inheritance: Autosomal recessive inheritance.
Comment: A heterozygous missense variant, NM_14248.2(OTOF):c.3017C>G, has been identified in exon 25 of 47 of the OTOF gene. The variant is predicted to result in a minor amino acid change from threonine to serine at position 1006 of the protein (NP_919224.1(OTOF):p.(Thr1006Ser)). The threonine residue at this position has very high conservation (100 vertebrates, UCSC), and is located within the C2 functional domain. In silico predictions for this variant are consistently pathogenic (Polyphen, SIFT, CADD, Mutation Taster). The variant is present in the gnomAD database at a frequency of 0.0040% (10 heterozygotes, 0 homozygotes). The variant has been previously described as a VUS (Deafnessvariationdatabase). Based on the information available at the time of curation, this variant has been classified as a VARIANT of UNCERTAIN SIGNIFICANCE (VUS).